The following is an entry in ClinVar:

NM_000260.4(MYO7A):c.3706G>C (p.Val1236Leu)

Gene: MYO7A (myosin VIIA; plus strand). Cytogenetic location: 11q13.5.
Variant type: single nucleotide variant.
Coding change: c.3706G>C on transcript NM_000260.4 (MANE Select); coding-DNA position 3706, G replaced by C.
Protein change: p.Val1236Leu; replaces valine 1236 with leucine.
Molecular consequence: missense variant.
Genome position (GRCh38, 1-based): chr11:77,190,095, G>C. VCF-style: chr11-77190095-G-C. GRCh37 (hg19) VCF-style: chr11-76901140-G-C.
Other names: c.3706G>C, p.Val1236Leu (NM_001127180.2); c.3673G>C, p.Val1225Leu (NM_001369365.1); short protein forms V1225L, V1236L.
Identifiers: ClinVar variation 1312572 (VCV001312572.5), dbSNP rs1591413336, ClinGen allele CA381947255.

ClinVar aggregate classification (germline): Uncertain significance. Review status: criteria provided, multiple submitters, no conflicts (2 of 4 stars). 3 submissions from 3 submitters: Uncertain significance (2). 1 of the submissions does not count toward it. Last evaluated 2024-12-31.

Conditions:
Usher syndrome type 1B (USH1B). Also called: Usher syndrome type IB. Identifiers: MedGen C1848638, MONDO:0700087.

Allele frequency attached by ClinVar (database versions not stated): gnomAD 0.00003.
gnomAD v4.1: 5 of 1,579,386 alleles (0.00032%); highest among the groups gnomAD compares: East Asian, 0.0093%; no homozygotes.

Submissions (3):

Labcorp Genetics (formerly Invitae), Labcorp
Classification: Uncertain significance. Last evaluated: 2024-12-31. Review status: criteria provided, single submitter. Criteria: Invitae Variant Classification Sherloc (09022015). Collection method: clinical testing. Allele origin: germline.
Comment: This sequence change replaces valine, which is neutral and non-polar, with leucine, which is neutral and non-polar, at codon 1236 of the MYO7A protein (p.Val1236Leu). This variant is not present in population databases (gnomAD no frequency). This variant has not been reported in the literature in individuals affected with MYO7A-related conditions. ClinVar contains an entry for this variant (Variation ID: 1312572). Invitae Evidence Modeling of protein sequence and biophysical properties (such as structural, functional, and spatial information, amino acid conservation, physicochemical variation, residue mobility, and thermodynamic stability) indicates that this missense variant is not expected to disrupt MYO7A protein function with a negative predictive value of 95%. In summary, the available evidence is currently insufficient to determine the role of this variant in disease. Therefore, it has been classified as a Variant of Uncertain Significance.

GeneDx
Classification: Uncertain significance. Last evaluated: 2020-03-13. Review status: criteria provided, single submitter. Criteria: GeneDx Variant Classification Process June 2021. Collection method: clinical testing. Allele origin: germline. Affected: yes.
Comment: Not observed in large population cohorts (Lek et al., 2016); In silico analysis supports that this missense variant does not alter protein structure/function; Has not been previously published as pathogenic or benign to our knowledge

Natera, Inc.
Classification: Uncertain significance for Usher syndrome type 1B. Last evaluated: 2025-05-08. Review status: no assertion criteria provided. Collection method: clinical testing. Allele origin: germline. Not counted in ClinVar's aggregate classification.